The following is an entry in ClinVar:

NM_001349253.2(SCN11A):c.4876T>C (p.Phe1626Leu)

Gene: SCN11A (sodium voltage-gated channel alpha subunit 11; minus strand). Cytogenetic location: 3p22.2.
Variant type: single nucleotide variant.
Coding change: c.4876T>C on transcript NM_001349253.2 (MANE Select); coding-DNA position 4876, T replaced by C.
Protein change: p.Phe1626Leu; replaces phenylalanine 1626 with leucine.
Molecular consequence: missense variant.
Genome position (GRCh38, 1-based): chr3:38,847,194, A>G on the plus strand (T>C on the coding strand, the complement: SCN11A is on the minus strand). VCF-style: chr3-38847194-A-G. GRCh37 (hg19) VCF-style: chr3-38888685-A-G.
Other names: c.4876T>C, p.Phe1626Leu (NM_014139.3); short protein forms F1626L.
Identifiers: ClinVar variation 3751965 (VCV003751965.2).

ClinVar aggregate classification (germline): Uncertain significance (1 of 4 stars; one submission).

Conditions:
Hereditary sensory and autonomic neuropathy type 7. Also called: HSAN VII; Neuropathy, hereditary sensory and autonomic, type VII. Identifiers: Orphanet 391397, MedGen C3809882, MONDO:0014244, OMIM 615548.
Familial episodic pain syndrome with predominantly lower limb involvement. Also called: Episodic pain syndrome, familial, 3. Identifiers: Orphanet 391384, Orphanet 391392, MedGen C3809899, MONDO:0014247, OMIM 615552.

gnomAD v4.1: 3 of 1,614,144 alleles (0.00019%); highest among the groups gnomAD compares: Non-Finnish European, 0.00025%; no homozygotes.

Submission:

Labcorp Genetics (formerly Invitae), Labcorp
Classification: Uncertain significance for Familial episodic pain syndrome with predominantly lower limb involvement; Hereditary sensory and autonomic neuropathy type 7. Last evaluated: 2024-10-21. Review status: criteria provided, single submitter. Criteria: Invitae Variant Classification Sherloc (09022015). Collection method: clinical testing. Allele origin: germline.
Comment: This sequence change replaces phenylalanine, which is neutral and non-polar, with leucine, which is neutral and non-polar, at codon 1626 of the SCN11A protein (p.Phe1626Leu). This variant is present in population databases (no rsID available, gnomAD 0.0009%). This variant has not been reported in the literature in individuals affected with SCN11A-related conditions. Invitae Evidence Modeling of protein sequence and biophysical properties (such as structural, functional, and spatial information, amino acid conservation, physicochemical variation, residue mobility, and thermodynamic stability) indicates that this missense variant is expected to disrupt SCN11A protein function with a positive predictive value of 80%. In summary, the available evidence is currently insufficient to determine the role of this variant in disease. Therefore, it has been classified as a Variant of Uncertain Significance.